The following is an entry in ClinVar:

ClinVar aggregate classification (germline): Uncertain significance (1 of 4 stars; one submission).

Conditions:
Malignant hyperthermia, susceptibility to, 1 (MHS1). Also called: Anesthesia related hyperthermia; Malignant hyperpyrexia; Fulminating hyperpyrexia; Pharmacogenic myopathy; RYR1-Related Malignant Hyperthermia Susceptibility; Malignant hyperthermia suceptibility 1. Identifiers: Orphanet 423, MedGen C2930980, MONDO:0007783, OMIM 145600.

Submission:

All of Us Research Program, National Institutes of Health
Classification: Uncertain significance for Malignant hyperthermia, susceptibility to, 1. Last evaluated: 2024-01-11. Review status: criteria provided, single submitter. Criteria: ACMG Guidelines, 2015. Collection method: clinical testing. Allele origin: germline. Inheritance: Autosomal dominant inheritance. Observed: 1 variant allele, 1 heterozygote.
Comment: This study involves interpretation of variants in research participants for the purpose of population health screening. Participant phenotype was not available at the time of variant classification. Additional details can be found in publication PMID: 35346344, PMCID: PMC8962531

NM_000540.3(RYR1):c.10669C>T (p.Leu3557Phe)

Gene: RYR1 (ryanodine receptor 1; plus strand). Cytogenetic location: 19q13.2.
Variant type: single nucleotide variant.
Coding change: c.10669C>T on transcript NM_000540.3 (MANE Select); coding-DNA position 10669, C replaced by T.
Protein change: p.Leu3557Phe; replaces leucine 3557 with phenylalanine.
Molecular consequence: missense variant.
Genome position (GRCh38, 1-based): chr19:38,527,035, C>T. VCF-style: chr19-38527035-C-T. GRCh37 (hg19) VCF-style: chr19-39017675-C-T.
Other names: c.10654C>T, p.Leu3552Phe (NM_001042723.2); short protein forms L3552F, L3557F.
Identifiers: ClinVar variation 3074955 (VCV003074955.1), dbSNP rs1281934824, ClinGen allele CA405646086.